The following is an entry in ClinVar:

NM_006466.4(POLR3F):c.526T>C (p.Phe176Leu)

Gene: POLR3F (RNA polymerase III subunit F; plus strand). Cytogenetic location: 20p11.23.
Variant type: single nucleotide variant.
Coding change: c.526T>C on transcript NM_006466.4 (MANE Select); coding-DNA position 526, T replaced by C.
Protein change: p.Phe176Leu; replaces phenylalanine 176 with leucine.
Molecular consequence: missense variant. On other transcripts: non-coding transcript variant (1), intron variant (1).
Genome position (GRCh38, 1-based): chr20:18,480,134, T>C. VCF-style: chr20-18480134-T-C. GRCh37 (hg19) VCF-style: chr20-18460778-T-C.
Other names: c.403T>C, p.Phe135Leu (NM_001282526.2); c.430-268T>C (NM_001410821.1); short protein forms F135L, F176L.
Identifiers: ClinVar variation 2745901 (VCV002745901.3), dbSNP rs2517425383, ClinGen allele CA408352432.

ClinVar aggregate classification (germline): Uncertain significance (1 of 4 stars; one submission).

Submission:

Labcorp Genetics (formerly Invitae), Labcorp
Classification: Uncertain significance. Last evaluated: 2023-07-22. Review status: criteria provided, single submitter. Criteria: Invitae Variant Classification Sherloc (09022015). Collection method: clinical testing. Allele origin: germline.
Comment: This sequence change replaces phenylalanine, which is neutral and non-polar, with leucine, which is neutral and non-polar, at codon 135 of the POLR3F protein (p.Phe135Leu). In summary, the available evidence is currently insufficient to determine the role of this variant in disease. Therefore, it has been classified as a Variant of Uncertain Significance. Experimental studies and prediction algorithms are not available or were not evaluated, and the functional significance of this variant is currently unknown. This variant has not been reported in the literature in individuals affected with POLR3F-related conditions. This variant is not present in population databases (gnomAD no frequency).